The following is an entry in ClinVar:

NM_152866.3(MS4A1):c.67A>G (p.Met23Val)

Gene: MS4A1 (membrane spanning 4-domains A1; plus strand). Cytogenetic location: 11q12.2.
Variant type: single nucleotide variant.
Coding change: c.67A>G on transcript NM_152866.3 (MANE Select); coding-DNA position 67, A replaced by G.
Protein change: p.Met23Val; replaces methionine 23 with valine.
Molecular consequence: missense variant.
Genome position (GRCh38, 1-based): chr11:60,462,441, A>G. VCF-style: chr11-60462441-A-G. GRCh37 (hg19) VCF-style: chr11-60229914-A-G.
Other names: c.67A>G, p.Met23Val (NM_021950.4, NM_152867.2); short protein forms M23V.
Identifiers: ClinVar variation 1389634 (VCV001389634.8), dbSNP rs1204983091, ClinGen allele CA380597728.

ClinVar aggregate classification (germline): Uncertain significance (1 of 4 stars; one submission).

Allele frequency attached by ClinVar (database versions not stated): gnomAD exomes below 0.00001; gnomAD 0.00001; TOPMed 0.00001.
gnomAD v4.1: 4 of 1,614,100 alleles (0.00025%); highest among the groups gnomAD compares: Non-Finnish European, 0.00034%; no homozygotes.

Submission:

Labcorp Genetics (formerly Invitae), Labcorp
Classification: Uncertain significance. Last evaluated: 2024-05-14. Review status: criteria provided, single submitter. Criteria: Invitae Variant Classification Sherloc (09022015). Collection method: clinical testing. Allele origin: germline.
Comment: This sequence change replaces methionine, which is neutral and non-polar, with valine, which is neutral and non-polar, at codon 23 of the MS4A1 protein (p.Met23Val). This variant is present in population databases (no rsID available, gnomAD 0.0009%). This variant has not been reported in the literature in individuals affected with MS4A1-related conditions. ClinVar contains an entry for this variant (Variation ID: 1389634). Algorithms developed to predict the effect of missense changes on protein structure and function output the following: SIFT: "Not Available"; PolyPhen-2: "Benign"; Align-GVGD: "Not Available". The valine amino acid residue is found in multiple mammalian species, which suggests that this missense change does not adversely affect protein function. In summary, the available evidence is currently insufficient to determine the role of this variant in disease. Therefore, it has been classified as a Variant of Uncertain Significance.